The following is an entry in ClinVar:

NM_016038.4(SBDS):c.574C>G (p.Pro192Ala)

Gene: SBDS (SBDS ribosome maturation factor; minus strand). Cytogenetic location: 7q11.21.
Variant type: single nucleotide variant.
Coding change: c.574C>G on transcript NM_016038.4 (MANE Select); coding-DNA position 574, C replaced by G.
Protein change: p.Pro192Ala; replaces proline 192 with alanine.
Molecular consequence: missense variant.
Genome position (GRCh38, 1-based): chr7:66,991,187, G>C on the plus strand (C>G on the coding strand, the complement: SBDS is on the minus strand). VCF-style: chr7-66991187-G-C. GRCh37 (hg19) VCF-style: chr7-66456174-G-C.
Other names: short protein forms P192A.
Identifiers: ClinVar variation 4159831 (VCV004159831.1).
Genomic context (GRCh38, chr7:66,991,187, plus strand): 5'-TGACTCTTACGATTTCTAACTGTTGGCCATAATCTTCACTTTCTATGACCTTGATCAGTG[G>C]CTTGAGCTTTTCTTTCAGCTTCTTGCCTTCATTGACTGGAAGGATGAACCGAAGCCTCAT-3'
Protein context (NP_057122.2, residues 182-202): EGKKLKEKLK[Pro192Ala]LIKVIESEDY

ClinVar aggregate classification (germline): Uncertain significance (1 of 4 stars; one submission).

Conditions:
Inborn genetic diseases. Identifiers: MedGen C0950123, MeSH D030342.

gnomAD v4.1: 1 of 1,613,884 alleles (0.000062%); highest among the groups gnomAD compares: Non-Finnish European, 0.000085%; no homozygotes.

Submission:

Ambry Genetics
Classification: Uncertain significance for Inborn genetic diseases. Last evaluated: 2025-08-29. Review status: criteria provided, single submitter. Criteria: Ambry Variant Classification Scheme 2023. Collection method: clinical testing. Allele origin: germline.
Comment: The p.P192A variant (also known as c.574C>G), located in coding exon 4 of the SBDS gene, results from a C to G substitution at nucleotide position 574. The proline at codon 192 is replaced by alanine, an amino acid with highly similar properties. This amino acid position is conserved. In addition, the in silico prediction for this alteration is inconclusive. Based on the available evidence, the clinical significance of this variant remains unclear.